The following is an entry in ClinVar:

ClinVar aggregate classification (germline): Likely pathogenic. Review status: criteria provided, multiple submitters, no conflicts (2 of 4 stars). 2 submissions from 2 submitters: Likely pathogenic (2). Last evaluated 2025-11-26.

Conditions:
Retinitis pigmentosa 55 (RP55). Identifiers: Orphanet 791, MedGen C3150808, MONDO:0013312, OMIM 613575.
Bardet-Biedl syndrome 3 (BBS3). Identifiers: Orphanet 110, MedGen C1859564, MONDO:0010832, OMIM 600151.
ARL6-related disorder. Also called: ARL6-related condition.

Allele frequency attached by ClinVar (database versions not stated): gnomAD exomes below 0.00001; TOPMed below 0.00001.
gnomAD v4.1: 4 of 1,612,300 alleles (0.00025%); highest among the groups gnomAD compares: Non-Finnish European, 0.00034%; no homozygotes.

Submissions (2):

PreventionGenetics, part of Exact Sciences
Classification: Likely pathogenic for ARL6-related condition. Last evaluated: 2025-11-26. Review status: criteria provided, single submitter. Criteria: ACMG Guidelines, 2015. Collection method: clinical testing. Allele origin: germline.
Comment: The ARL6 c.479+1G>A variant is predicted to disrupt the GT donor site and interfere with normal splicing. To our knowledge, this variant has not been reported in literature or a large population database (gnomAD), indicating this variant is rare. Another variant affecting this splice site (c.479+3A>C) has been reported in the homozygous state in an individual with Bardet-Biedl syndrome (Table S2, Braun et al. 2015. PubMed ID: 26489029). Variants that disrupt the consensus splice donor site in ARL6 are expected to be pathogenic. This variant is interpreted as likely pathogenic.

Labcorp Genetics (formerly Invitae), Labcorp
Classification: Likely pathogenic for Retinitis pigmentosa 55; Bardet-Biedl syndrome 3. Last evaluated: 2021-06-03. Review status: criteria provided, single submitter. Criteria: Invitae Variant Classification Sherloc (09022015). Collection method: clinical testing. Allele origin: germline.
Comment: Algorithms developed to predict the effect of sequence changes on RNA splicing suggest that this variant may disrupt the consensus splice site, but this prediction has not been confirmed by published transcriptional studies. In summary, the currently available evidence indicates that the variant is pathogenic, but additional data are needed to prove that conclusively. Therefore, this variant has been classified as Likely Pathogenic. This variant has been observed in individual(s) with clinical features of ARL6-related conditions (Invitae). This variant is not present in population databases (ExAC no frequency). This sequence change affects a donor splice site in intron 7 of the ARL6 gene. It is expected to disrupt RNA splicing. Variants that disrupt the donor or acceptor splice site typically lead to a loss of protein function (PMID: 16199547), and loss-of-function variants in ARL6 are known to be pathogenic (PMID: 15258860, 19858128, 20142850, 22334370, 27486776, 31736247).

Literature cited by the submitters: PubMed 16199547 (cited by Labcorp Genetics (formerly Invitae), Labcorp); PubMed 15258860 (cited by Labcorp Genetics (formerly Invitae), Labcorp); PubMed 19858128 (cited by Labcorp Genetics (formerly Invitae), Labcorp); PubMed 20142850 (cited by Labcorp Genetics (formerly Invitae), Labcorp); PubMed 22334370 (cited by Labcorp Genetics (formerly Invitae), Labcorp); PubMed 27486776 (cited by Labcorp Genetics (formerly Invitae), Labcorp); PubMed 31736247 (cited by Labcorp Genetics (formerly Invitae), Labcorp).

NM_001278293.3(ARL6):c.479+1G>A

Gene: ARL6 (ARF like GTPase 6; plus strand). Cytogenetic location: 3q11.2.
Variant type: single nucleotide variant.
Coding change: c.479+1G>A on transcript NM_001278293.3 (MANE Select); the canonical splice donor site of the intron after coding-DNA position 479, G replaced by A.
Molecular consequence: splice donor variant.
Genome position (GRCh38, 1-based): chr3:97,788,120, G>A. VCF-style: chr3-97788120-G-A. GRCh37 (hg19) VCF-style: chr3-97506964-G-A.
Other names: c.479+1G>A (NM_032146.5, NM_177976.3, NM_001323513.2 and 1 more transcripts).
Identifiers: ClinVar variation 1483429 (VCV001483429.9), dbSNP rs1324418374, ClinGen allele CA353588866.